The following is an entry in ClinVar:

ClinVar aggregate classification (germline): Uncertain significance (1 of 4 stars; one submission).

Conditions:
Hypertrophic cardiomyopathy 14. Identifiers: MedGen C2750467, MONDO:0013197, OMIM 613251.

gnomAD v4.1: 3 of 1,614,232 alleles (0.00019%); highest among the groups gnomAD compares: Non-Finnish European, 0.00025%; no homozygotes.

Submission:

Labcorp Genetics (formerly Invitae), Labcorp
Classification: Uncertain significance for Hypertrophic cardiomyopathy 14. Last evaluated: 2024-09-25. Review status: criteria provided, single submitter. Criteria: Invitae Variant Classification Sherloc (09022015). Collection method: clinical testing. Allele origin: germline.
Comment: This sequence change replaces glutamic acid, which is acidic and polar, with lysine, which is basic and polar, at codon 1686 of the MYH6 protein (p.Glu1686Lys). This variant is not present in population databases (gnomAD no frequency). This variant has not been reported in the literature in individuals affected with MYH6-related conditions. Invitae Evidence Modeling of protein sequence and biophysical properties (such as structural, functional, and spatial information, amino acid conservation, physicochemical variation, residue mobility, and thermodynamic stability) indicates that this missense variant is not expected to disrupt MYH6 protein function with a negative predictive value of 80%. In summary, the available evidence is currently insufficient to determine the role of this variant in disease. Therefore, it has been classified as a Variant of Uncertain Significance.

NM_002471.4(MYH6):c.5056G>A (p.Glu1686Lys)

Genes: MYH6 (myosin heavy chain 6; minus strand), LOC126861896 (BRD4-independent group 4 enhancer GRCh37_chr14:23854904-23856103; plus strand). Cytogenetic location: 14q11.2.
Variant type: single nucleotide variant.
Coding change: c.5056G>A on transcript NM_002471.4 (MANE Select); coding-DNA position 5056, G replaced by A.
Protein change: p.Glu1686Lys; replaces glutamic acid 1686 with lysine.
Molecular consequence: missense variant.
Genome position (GRCh38, 1-based): chr14:23,386,035, C>T on the plus strand (G>A on the coding strand, the complement: MYH6 is on the minus strand). VCF-style: chr14-23386035-C-T. GRCh37 (hg19) VCF-style: chr14-23855244-C-T.
Other names: short protein forms E1686K.
Identifiers: ClinVar variation 3730520 (VCV003730520.2).